The following is an entry in ClinVar:

ClinVar aggregate classification (germline): Likely pathogenic (0 of 4 stars; one submission).

Conditions:
Developmental delay with or without intellectual impairment or behavioral abnormalities. Identifiers: MedGen C5562004, MONDO:0859199, OMIM 619575.

Submission:

Diagnostics Centre, Carl Von Ossietzky University Oldenburg
Classification: Likely pathogenic for Developmental delay with or without intellectual impairment or behavioral abnormalities. Last evaluated: 2024-08-28. Review status: no assertion criteria provided. Collection method: clinical testing. Allele origin: germline. Affected: yes. Observed: 1 variant allele.
Comment: The variant TAOK1:c.563+1G>A p.(?) which is located in the canonical donor splice site located in intron 7 of the TAOK1 gene, at nucleotide position c.563+1. In silico tools predict a severe deleterious effect on splice product (SpilceAI= 0.98). The affected position affects an exon of the protein kinase domain, which is essential for protein function. Therefore, a loss of function on the affected allele can be assumed, even if the altered splicing pattern may not lead to a shift in the reading frame and degradation of the gene product. The variant has not yet been described in ClinVar or any other scientific publication known to us. The variant is classified as very rare since it is absent in gnomAD v4.1.0. In summary, this variant is classified as Likely pathogenic.

NM_020791.4(TAOK1):c.563+1G>A

Gene: TAOK1 (TAO kinase 1; plus strand). Cytogenetic location: 17q11.2.
Variant type: single nucleotide variant.
Coding change: c.563+1G>A on transcript NM_020791.4 (MANE Select); the canonical splice donor site of the intron after coding-DNA position 563, G replaced by A.
Molecular consequence: splice donor variant.
Genome position (GRCh38, 1-based): chr17:29,480,482, G>A. VCF-style: chr17-29480482-G-A. GRCh37 (hg19) VCF-style: chr17-27807500-G-A.
Other names: c.563+1G>A (NM_025142.1).
Identifiers: ClinVar variation 4530656 (VCV004530656.1).